The following is an entry in ClinVar:

ClinVar aggregate classification (germline): Uncertain significance (1 of 4 stars; one submission).

Conditions:
ALG9 congenital disorder of glycosylation (CDG1L). Also called: CONGENITAL DISORDER OF GLYCOSYLATION, TYPE Il; CDG Il; ALG9-CDG. Identifiers: Orphanet 79328, MedGen C2931006, MONDO:0012117, OMIM 608776.

Allele frequency attached by ClinVar (database versions not stated): gnomAD exomes below 0.00001 and 0.00001; ExAC 0.00001; gnomAD 0.00001; TOPMed 0.00002.
gnomAD v4.1: 4 of 1,614,222 alleles (0.00025%); highest among the groups gnomAD compares: Admixed American, 0.0033%; no homozygotes.

Submission:

Labcorp Genetics (formerly Invitae), Labcorp
Classification: Uncertain significance for ALG9 congenital disorder of glycosylation. Last evaluated: 2024-11-11. Review status: criteria provided, single submitter. Criteria: Invitae Variant Classification Sherloc (09022015). Collection method: clinical testing. Allele origin: germline.
Comment: This sequence change replaces tyrosine, which is neutral and polar, with cysteine, which is neutral and slightly polar, at codon 296 of the ATP6V0A2 protein (p.Tyr296Cys). This variant is present in population databases (rs753314616, gnomAD 0.006%). This variant has not been reported in the literature in individuals affected with ATP6V0A2-related conditions. ClinVar contains an entry for this variant (Variation ID: 1438255). Invitae Evidence Modeling of protein sequence and biophysical properties (such as structural, functional, and spatial information, amino acid conservation, physicochemical variation, residue mobility, and thermodynamic stability) indicates that this missense variant is not expected to disrupt ATP6V0A2 protein function with a negative predictive value of 80%. In summary, the available evidence is currently insufficient to determine the role of this variant in disease. Therefore, it has been classified as a Variant of Uncertain Significance.

NM_012463.4(ATP6V0A2):c.887A>G (p.Tyr296Cys)

Gene: ATP6V0A2 (ATPase H+ transporting V0 subunit a2; plus strand). Cytogenetic location: 12q24.31.
Variant type: single nucleotide variant.
Coding change: c.887A>G on transcript NM_012463.4 (MANE Select); coding-DNA position 887, A replaced by G.
Protein change: p.Tyr296Cys; replaces tyrosine 296 with cysteine.
Molecular consequence: missense variant.
Genome position (GRCh38, 1-based): chr12:123,737,120, A>G. VCF-style: chr12-123737120-A-G. GRCh37 (hg19) VCF-style: chr12-124221667-A-G.
Other names: short protein forms Y296C.
Identifiers: ClinVar variation 1438255 (VCV001438255.5), dbSNP rs753314616, ClinGen allele CA6861769.
Genomic context (GRCh38, chr12:123,737,120, plus strand): 5'-TACTGCACAAAACCGAGGACTATTTGAGGCAAGTGCTATGTAAAGCCGCCGAGTCTGTCT[A>G]CAGCCGTGTGATCCAGGTGAAGAAAATGAAGGCCATCTATCACATGCTGAACATGTGCAG-3'
Protein context (NP_036595.2, residues 286-306): QVLCKAAESV[Tyr296Cys]SRVIQVKKMK